The following is an entry in ClinVar:

NM_001267550.2(TTN):c.7556T>C (p.Val2519Ala)

Gene: TTN (titin; minus strand). Cytogenetic location: 2q31.2.
Variant type: single nucleotide variant.
Coding change: c.7556T>C on transcript NM_001267550.2 (MANE Select); coding-DNA position 7556, T replaced by C.
Protein change: p.Val2519Ala; replaces valine 2519 with alanine.
Molecular consequence: missense variant.
Genome position (GRCh38, 1-based): chr2:178,773,500, A>G on the plus strand (T>C on the coding strand, the complement: TTN is on the minus strand). VCF-style: chr2-178773500-A-G. GRCh37 (hg19) VCF-style: chr2-179638227-A-G.
Other names: c.7556T>C, p.Val2519Ala (NM_133378.4, NM_001256850.1, NM_133379.5); c.7418T>C, p.Val2473Ala (NM_003319.4, NM_133432.3, NM_133437.4); short protein forms V2519A, V2473A.
Identifiers: ClinVar variation 229527 (VCV000229527.5), dbSNP rs372361514, ClinGen allele CA2004791.

ClinVar aggregate classification (germline): Uncertain significance (1 of 4 stars; one submission).

Allele frequency attached by ClinVar (database versions not stated): TOPMed 0.00001 and 0.00002; ExAC 0.00003; ESP Exome Variant Server 0.00008; gnomAD exomes 0.00003; gnomAD 0.00001.
gnomAD v4.1: 10 of 1,613,924 alleles (0.00062%); highest among the groups gnomAD compares: East Asian, 0.016%; no homozygotes.

Submission:

Laboratory for Molecular Medicine, Mass General Brigham Personalized Medicine
Classification: Uncertain significance. Last evaluated: 2015-02-13. Review status: criteria provided, single submitter. Criteria: LMM Criteria. Collection method: clinical testing. Allele origin: germline. Observed: 1 variant allele.
Comment: The p.Val2519Ala variant in TTN has not been previously reported in individuals with cardiomyopathy, but has been identified in 4/8682 East Asian chromosomes by the Exome Aggregation Consortium (ExAC; dbSNP r s372361514). Computational prediction tools and conservation analysis do not pro vide strong support for or against an impact to the protein. In summary, the cli nical significance of the p.Val2519Ala variant is uncertain.